The following is an entry in ClinVar:

NM_014679.5(CEP57):c.760C>T (p.Pro254Ser)

Gene: CEP57 (centrosomal protein 57; plus strand). Cytogenetic location: 11q21.
Variant type: single nucleotide variant.
Coding change: c.760C>T on transcript NM_014679.5 (MANE Select); coding-DNA position 760, C replaced by T.
Protein change: p.Pro254Ser; replaces proline 254 with serine.
Molecular consequence: missense variant. On other transcripts: intron variant (5).
Genome position (GRCh38, 1-based): chr11:95,821,931, C>T. VCF-style: chr11-95821931-C-T. GRCh37 (hg19) VCF-style: chr11-95555095-C-T.
Other names: c.733C>T, p.Pro245Ser (NM_001243776.2); c.760C>T, p.Pro254Ser (NM_001243777.2); c.679C>T, p.Pro227Ser (NM_001363604.2, NM_001440869.1, NM_001440870.1); c.643C>T, p.Pro215Ser (NM_001440872.1, NM_001440876.1); c.580C>T, p.Pro194Ser (NM_001440873.1); c.562C>T, p.Pro188Ser (NM_001440877.1, NM_001440878.1); c.499C>T, p.Pro167Ser (NM_001440880.1); c.463C>T, p.Pro155Ser (NM_001440881.1); and 5 more; short protein forms P215S, P245S, P254S, P155S, P167S, P194S, P188S, P227S.
Identifiers: ClinVar variation 4826388 (VCV004826388.1).

ClinVar aggregate classification (germline): Uncertain significance (1 of 4 stars; one submission).

Conditions:
Inborn genetic diseases. Identifiers: MedGen C0950123, MeSH D030342.

Submission:

Ambry Genetics
Classification: Uncertain significance for Inborn genetic diseases. Last evaluated: 2026-03-04. Review status: criteria provided, single submitter. Criteria: Ambry Variant Classification Scheme 2023. Collection method: clinical testing. Allele origin: germline.
Comment: The p.P254S variant (also known as c.760C>T), located in coding exon 7 of the CEP57 gene, results from a C to T substitution at nucleotide position 760. The proline at codon 254 is replaced by serine, an amino acid with similar properties. This amino acid position is conserved. In addition, this alteration is predicted to be tolerated by in silico analysis. Based on the available evidence, the clinical significance of this variant remains unclear.